The following is an entry in ClinVar:

ClinVar aggregate classification (germline): Uncertain significance. Review status: criteria provided, multiple submitters, no conflicts (2 of 4 stars). 2 submissions from 2 submitters: Uncertain significance (2). Last evaluated 2024-09-04.

Conditions:
Hereditary cancer-predisposing syndrome. Also called: Tumor predisposition; Neoplastic Syndromes, Hereditary; Hereditary Cancer Syndrome; Hereditary neoplastic syndrome. Identifiers: Orphanet 140162, MedGen C0027672, MeSH D009386, MONDO:0015356.
Hereditary diffuse gastric adenocarcinoma (HDGC). Also called: DIFFUSE GASTRIC AND LOBULAR BREAST CANCER SYNDROME. Identifiers: Orphanet 26106, MedGen C1708349, MONDO:0007648, OMIM 137215.

Submissions (2):

Department of Human Genetics, Hannover Medical School
Classification: Uncertain significance for Hereditary diffuse gastric adenocarcinoma. Last evaluated: 2024-09-04. Review status: criteria provided, single submitter. Criteria: ACMG Guidelines, 2015. Collection method: clinical testing. Allele origin: germline. Inheritance: Autosomal dominant inheritance. Affected: yes.

Ambry Genetics
Classification: Uncertain significance for Hereditary cancer-predisposing syndrome. Last evaluated: 2022-01-03. Review status: criteria provided, single submitter. Criteria: Ambry Variant Classification Scheme 2023. Collection method: clinical testing. Allele origin: germline.
Comment: The p.I535M variant (also known as c.1605T>G), located in coding exon 11 of the CDH1 gene, results from a T to G substitution at nucleotide position 1605. The isoleucine at codon 535 is replaced by methionine, an amino acid with highly similar properties. This amino acid position is not well conserved in available vertebrate species. In addition, the in silico prediction for this alteration is inconclusive. Since supporting evidence is limited at this time, the clinical significance of this alteration remains unclear.

NM_004360.5(CDH1):c.1605T>G (p.Ile535Met)

Gene: CDH1 (cadherin 1; plus strand). Cytogenetic location: 16q22.1.
Variant type: single nucleotide variant.
Coding change: c.1605T>G on transcript NM_004360.5 (MANE Select); coding-DNA position 1605, T replaced by G.
Protein change: p.Ile535Met; replaces isoleucine 535 with methionine.
Molecular consequence: missense variant. On other transcripts: intron variant (1).
Genome position (GRCh38, 1-based): chr16:68,819,319, T>G. VCF-style: chr16-68819319-T-G. GRCh37 (hg19) VCF-style: chr16-68853222-T-G.
Other names: c.1422T>G, p.Ile474Met (NM_001317184.2); c.57T>G, p.Ile19Met (NM_001317185.2); c.-254-2682T>G (NM_001317186.2); short protein forms I474M, I19M, I535M.
Identifiers: ClinVar variation 1776276 (VCV001776276.3), dbSNP rs1555516544, ClinGen allele CA396465026.